The following is an entry in ClinVar:

ClinVar aggregate classification (germline): Uncertain significance (1 of 4 stars; one submission).

Allele frequency attached by ClinVar (database versions not stated): gnomAD 0.00001; ExAC 0.00002.
gnomAD v4.1: 3 of 1,614,084 alleles (0.00019%); highest among the groups gnomAD compares: East Asian, 0.0067%; no homozygotes.

Submission:

Labcorp Genetics (formerly Invitae), Labcorp
Classification: Uncertain significance. Last evaluated: 2023-07-31. Review status: criteria provided, single submitter. Criteria: Invitae Variant Classification Sherloc (09022015). Collection method: clinical testing. Allele origin: germline.
Comment: In summary, the available evidence is currently insufficient to determine the role of this variant in disease. Therefore, it has been classified as a Variant of Uncertain Significance. An algorithm developed to predict the effect of missense changes on protein structure and function (PolyPhen-2) suggests that this variant is likely to be tolerated. This variant has not been reported in the literature in individuals affected with RP1-related conditions. This variant is present in population databases (rs748121791, gnomAD 0.01%). This sequence change replaces glutamine, which is neutral and polar, with arginine, which is basic and polar, at codon 459 of the RP1 protein (p.Gln459Arg).

NM_006269.2(RP1):c.1376A>G (p.Gln459Arg)

Gene: RP1 (RP1 axonemal microtubule associated; plus strand). Cytogenetic location: 8q12.1.
Variant type: single nucleotide variant.
Coding change: c.1376A>G on transcript NM_006269.2 (MANE Select); coding-DNA position 1376, A replaced by G.
Protein change: p.Gln459Arg; replaces glutamine 459 with arginine.
Molecular consequence: missense variant. On other transcripts: intron variant (1).
Genome position (GRCh38, 1-based): chr8:54,625,258, A>G. VCF-style: chr8-54625258-A-G. GRCh37 (hg19) VCF-style: chr8-55537818-A-G.
Other names: c.787+2970A>G (NM_001375654.1); short protein forms Q459R.
Identifiers: ClinVar variation 2779189 (VCV002779189.3), dbSNP rs748121791, ClinGen allele CA4751365.